The following is an entry in ClinVar:

ClinVar aggregate classification (germline): Pathogenic (1 of 4 stars; one submission).

Conditions:
Multiple congenital anomalies-hypotonia-seizures syndrome 1 (MCAHS1). Also called: GLYCOSYLPHOSPHATIDYLINOSITOL BIOSYNTHESIS DEFECT 3; PIGN-CDG; Congenital disorder of glycosylation due to PIGN deficiency. Identifiers: Orphanet 280633, MedGen C3279775, MONDO:0013563, OMIM 614080.

Submission:

Labcorp Genetics (formerly Invitae), Labcorp
Classification: Pathogenic for Multiple congenital anomalies-hypotonia-seizures syndrome 1. Last evaluated: 2023-08-11. Review status: criteria provided, single submitter. Criteria: Invitae Variant Classification Sherloc (09022015). Collection method: clinical testing. Allele origin: unknown.
Comment: This variant is a gross deletion of the genomic region encompassing exon(s) 28-30 of the PIGN gene. While this deletion is not anticipated to lead to nonsense mediated decay, it is expected to disrupt the C-terminus of the protein. This variant has not been reported in the literature in individuals affected with PIGN-related conditions. This variant disrupts a region of the PIGN protein in which other variant(s) (p.Ser893Arg) have been determined to be pathogenic (PMID: 35179230, 36322149; Invitae). This suggests that this is a clinically significant region of the protein, and that variants that disrupt it are likely to be disease-causing. For these reasons, this variant has been classified as Pathogenic.

Literature cited by the submitters: PubMed 35179230; PubMed 36322149.

NC_000018.9:g.(?_59739886)_(59749999_?)del

Gene: PIGN (phosphatidylinositol glycan anchor biosynthesis class N; minus strand). Cytogenetic location: 18q21.33.
Variant type: Deletion.
Identifiers: ClinVar variation 3242777 (VCV003242777.1).